The following is an entry in ClinVar:

NM_031935.3(HMCN1):c.14614C>A (p.Pro4872Thr)

Gene: HMCN1 (hemicentin 1; plus strand). Cytogenetic location: 1q31.1.
Variant type: single nucleotide variant.
Coding change: c.14614C>A on transcript NM_031935.3 (MANE Select); coding-DNA position 14614, C replaced by A.
Protein change: p.Pro4872Thr; replaces proline 4872 with threonine.
Molecular consequence: missense variant.
Genome position (GRCh38, 1-based): chr1:186,151,205, C>A. VCF-style: chr1-186151205-C-A. GRCh37 (hg19) VCF-style: chr1-186120337-C-A.
Other names: short protein forms P4872T.
Identifiers: ClinVar variation 4720061 (VCV004720061.1).
Genomic context (GRCh38, chr1:186,151,205, plus strand): 5'-GTAATGTTGATGAAATTGCATCCTTATCCAGGAATGTTTTTTTTTCCCCCAATAGGTGGG[C>A]CCCAGCGAGCCAGAGGAAGTGTTATTGGAAATATTAATGATGTTGAATTTGGAATTGCTT-3'
Protein context (NP_114141.2, residues 4862-4882): RCNVQACPGG[Pro4872Thr]QRARGSVIGN

ClinVar aggregate classification (germline): Uncertain significance (1 of 4 stars; one submission).

gnomAD v4.1: 1 of 1,613,556 alleles (0.000062%); no homozygotes.

Submission:

Labcorp Genetics (formerly Invitae), Labcorp
Classification: Uncertain significance. Last evaluated: 2025-05-22. Review status: criteria provided, single submitter. Criteria: Invitae Variant Classification Sherloc (09022015). Collection method: clinical testing. Allele origin: germline.
Comment: This sequence change replaces proline, which is neutral and non-polar, with threonine, which is neutral and polar, at codon 4872 of the HMCN1 protein (p.Pro4872Thr). This variant is not present in population databases (gnomAD no frequency). This variant has not been reported in the literature in individuals affected with HMCN1-related conditions. An algorithm developed to predict the effect of missense changes on protein structure and function (PolyPhen-2) suggests that this variant is likely to be disruptive. In summary, the available evidence is currently insufficient to determine the role of this variant in disease. Therefore, it has been classified as a Variant of Uncertain Significance.